The following is an entry in ClinVar:

NM_003737.4(DCHS1):c.5303C>A (p.Thr1768Asn)

Gene: DCHS1 (dachsous cadherin-related 1; minus strand). Cytogenetic location: 11p15.4.
Variant type: single nucleotide variant.
Coding change: c.5303C>A on transcript NM_003737.4 (MANE Select); coding-DNA position 5303, C replaced by A.
Protein change: p.Thr1768Asn; replaces threonine 1768 with asparagine.
Molecular consequence: missense variant.
Genome position (GRCh38, 1-based): chr11:6,628,689, G>T on the plus strand (C>A on the coding strand, the complement: DCHS1 is on the minus strand). VCF-style: chr11-6628689-G-T. GRCh37 (hg19) VCF-style: chr11-6649920-G-T.
Other names: c.5303C>A (NM_003737.2); short protein forms T1768N.
Identifiers: ClinVar variation 1934910 (VCV001934910.7), dbSNP rs771867213, ClinGen allele CA217297577.

ClinVar aggregate classification (germline): Uncertain significance. Review status: criteria provided, multiple submitters, no conflicts (2 of 4 stars). 2 submissions from 2 submitters: Uncertain significance (2). Last evaluated 2025-12-01.

Conditions:
Inborn genetic diseases. Identifiers: MedGen C0950123, MeSH D030342.

Allele frequency attached by ClinVar (database versions not stated): gnomAD 0.00001.

Submissions (2):

Labcorp Genetics (formerly Invitae), Labcorp
Classification: Uncertain significance. Last evaluated: 2025-12-01. Review status: criteria provided, single submitter. Criteria: Invitae Variant Classification Sherloc (09022015). Collection method: clinical testing. Allele origin: germline.
Comment: This sequence change replaces threonine, which is neutral and polar, with asparagine, which is neutral and polar, at codon 1768 of the DCHS1 protein (p.Thr1768Asn). This variant is present in population databases (rs771867213, gnomAD 0.003%). This variant has not been reported in the literature in individuals affected with DCHS1-related conditions. ClinVar contains an entry for this variant (Variation ID: 1934910). Invitae Evidence Modeling of protein sequence and biophysical properties (such as structural, functional, and spatial information, amino acid conservation, physicochemical variation, residue mobility, and thermodynamic stability) indicates that this missense variant is not expected to disrupt DCHS1 protein function with a negative predictive value of 95%. In summary, the available evidence is currently insufficient to determine the role of this variant in disease. Therefore, it has been classified as a Variant of Uncertain Significance.

Ambry Genetics
Classification: Uncertain significance for Inborn genetic diseases. Last evaluated: 2023-01-06. Review status: criteria provided, single submitter. Criteria: Ambry Variant Classification Scheme 2023. Collection method: clinical testing. Allele origin: germline.